The following is an entry in ClinVar:

ClinVar aggregate classification (germline): Benign (0 of 4 stars; one submission).

Conditions:
DAAM2-related disorder. Also called: DAAM2-related condition.

Allele frequency attached by ClinVar (database versions not stated): gnomAD exomes 0.06008; ExAC 0.09213; ESP Exome Variant Server 0.10366; gnomAD 0.11531; TOPMed 0.12110; 1000 Genomes Project 0.15835; 1000 Genomes Project 30x 0.16334.
gnomAD v4.1: 106,266 of 1,612,754 alleles (6.6%); highest among the groups gnomAD compares: African/African-American, 24%; 5,312 homozygotes.

Submission:

PreventionGenetics, part of Exact Sciences
Classification: Benign for DAAM2-related condition. Last evaluated: 2019-11-04. Review status: no assertion criteria provided. Collection method: clinical testing. Allele origin: germline.
Comment: This variant is classified as benign based on ACMG/AMP sequence variant interpretation guidelines (Richards et al. 2015 PMID: 25741868, with internal and published modifications).

NM_001201427.2(DAAM2):c.1980C>A (p.Ile660=)

Gene: DAAM2 (dishevelled associated activator of morphogenesis 2; plus strand). Cytogenetic location: 6p21.2.
Variant type: single nucleotide variant.
Coding change: c.1980C>A on transcript NM_001201427.2 (MANE Select); coding-DNA position 1980, C replaced by A.
Protein change: p.Ile660=; no amino-acid change (isoleucine 660 retained).
Molecular consequence: synonymous variant.
Genome position (GRCh38, 1-based): chr6:39,887,512, C>A. VCF-style: chr6-39887512-C-A. GRCh37 (hg19) VCF-style: chr6-39855288-C-A.
Other names: c.1980C>A, p.Ile660= (NM_015345.4).
Identifiers: ClinVar variation 3060515 (VCV003060515.2), dbSNP rs35383047, ClinGen allele CA3795144.
Genomic context (GRCh38, chr6:39,887,512, plus strand): 5'-CACCTCAACTGTCCACTTGACTTGTTGGTTGCAGAAAGAGCTGGGCTCCACTGAAGACAT[C>A]TACCTGGCTTCCCGCAAGGTCAAAGAGCTGTCGGTCATTGATGGCCGGAGGGCCCAAAAC-3'
Protein context (NP_001188356.1, residues 650-670): HQKELGSTED[Ile660=]YLASRKVKEL